The following is an entry in ClinVar:

ClinVar aggregate classification (germline): Benign/Likely benign. Review status: criteria provided, multiple submitters, no conflicts (2 of 4 stars). 4 submissions from 4 submitters: Benign (1); Likely benign (2). 1 of the submissions does not count toward it. Last evaluated 2026-07-09.

Conditions:
Hereditary cancer-predisposing syndrome. Also called: Tumor predisposition; Neoplastic Syndromes, Hereditary; Hereditary Cancer Syndrome; Hereditary neoplastic syndrome. Identifiers: Orphanet 140162, MedGen C0027672, MeSH D009386, MONDO:0015356.
SMARCA4-related disorder. Also called: SMARCA4-related condition.
Rhabdoid tumor predisposition syndrome 2 (RTPS2). Identifiers: Orphanet 231108, Orphanet 69077, MedGen C2750074, MONDO:0013224, OMIM 613325.

Allele frequency attached by ClinVar (database versions not stated): gnomAD exomes 0.00001; gnomAD 0.00001.
gnomAD v4.1: 11 of 1,541,332 alleles (0.00071%); highest among the groups gnomAD compares: Non-Finnish European, 0.00096%; no homozygotes.

Submissions (4):

Myriad Genetics, Inc.
Classification: Benign for Rhabdoid tumor predisposition syndrome 2. Last evaluated: 2026-07-09. Review status: criteria provided, single submitter. Criteria: Myriad Autosomal Dominant, Autosomal Recessive and X-Linked Classification Criteria (2023). Collection method: clinical testing. Allele origin: unknown.
Comment: This variant is considered benign. This variant is a silent/synonymous amino acid change and it is not expected to impact splicing.

Labcorp Genetics (formerly Invitae), Labcorp
Classification: Likely benign for Rhabdoid tumor predisposition syndrome 2. Last evaluated: 2025-05-21. Review status: criteria provided, single submitter. Criteria: Invitae Variant Classification Sherloc (09022015). Collection method: clinical testing. Allele origin: germline.

Ambry Genetics
Classification: Likely benign for Hereditary cancer-predisposing syndrome. Last evaluated: 2017-09-06. Review status: criteria provided, single submitter. Criteria: Ambry Variant Classification Scheme 2023. Collection method: clinical testing. Allele origin: germline.

PreventionGenetics, part of Exact Sciences
Classification: Likely benign for SMARCA4-related condition. Last evaluated: 2024-07-26. Review status: no assertion criteria provided. Collection method: clinical testing. Allele origin: germline. Not counted in ClinVar's aggregate classification.
Comment: This variant is classified as likely benign based on ACMG/AMP sequence variant interpretation guidelines (Richards et al. 2015 PMID: 25741868, with internal and published modifications).

NM_003072.5(SMARCA4):c.702T>C (p.Pro234=)

Gene: SMARCA4 (SWI/SNF related BAF chromatin remodeling complex subunit ATPase 4; plus strand). Cytogenetic location: 19p13.2.
Variant type: single nucleotide variant.
Coding change: c.702T>C on transcript NM_003072.5 (MANE Select); coding-DNA position 702, T replaced by C.
Protein change: p.Pro234=; no amino-acid change (proline 234 retained).
Molecular consequence: synonymous variant. On other transcripts: non-coding transcript variant (1).
Genome position (GRCh38, 1-based): chr19:10,986,535, T>C. VCF-style: chr19-10986535-T-C. GRCh37 (hg19) VCF-style: chr19-11097211-T-C.
Other names: c.702T>C, p.Pro234= (NM_001128844.3, NM_001128845.2, NM_001128846.2 and 5 more transcripts).
Identifiers: ClinVar variation 537880 (VCV000537880.16), dbSNP rs1060504447, ClinGen allele CA505744085.